The following is an entry in ClinVar:

NM_004380.3(CREBBP):c.6072G>A (p.Ala2024=)

Gene: CREBBP (CREB binding lysine acetyltransferase; minus strand). Cytogenetic location: 16p13.3.
Variant type: single nucleotide variant.
Coding change: c.6072G>A on transcript NM_004380.3 (MANE Select); coding-DNA position 6072, G replaced by A.
Protein change: p.Ala2024=; no amino-acid change (alanine 2024 retained).
Molecular consequence: synonymous variant.
Genome position (GRCh38, 1-based): chr16:3,728,975, C>T on the plus strand (G>A on the coding strand, the complement: CREBBP is on the minus strand). VCF-style: chr16-3728975-C-T. GRCh37 (hg19) VCF-style: chr16-3778976-C-T.
Other names: c.5958G>A, p.Ala1986= (NM_001079846.1); c.6072G>A (NM_004380.2).
Identifiers: ClinVar variation 2197265 (VCV002197265.5), dbSNP rs201934909, ClinGen allele CA7869186.

ClinVar aggregate classification (germline): Benign. Review status: criteria provided, single submitter (1 of 4 stars). 2 submissions from 2 submitters: Benign (1). 1 of the submissions does not count toward it. Last evaluated 2025-11-28.

Conditions:
Rubinstein-Taybi syndrome (RSTS). Identifiers: Orphanet 783, MedGen C0035934, MONDO:0019188.
CREBBP-related disorder. Also called: CREBBP-related condition; CREBBP-related disorders.

Allele frequency attached by ClinVar (database versions not stated): gnomAD 0.00004; ExAC 0.00008; 1000 Genomes Project 30x 0.00031; 1000 Genomes Project 0.00040.
gnomAD v4.1: 35 of 1,595,478 alleles (0.0022%); highest among the groups gnomAD compares: East Asian, 0.025%; no homozygotes.

Submissions (2):

Labcorp Genetics (formerly Invitae), Labcorp
Classification: Benign for Rubinstein-Taybi syndrome. Last evaluated: 2025-11-28. Review status: criteria provided, single submitter. Criteria: Invitae Variant Classification Sherloc (09022015). Collection method: clinical testing. Allele origin: germline.

PreventionGenetics, part of Exact Sciences
Classification: Likely benign for CREBBP-related condition. Last evaluated: 2022-12-19. Review status: no assertion criteria provided. Collection method: clinical testing. Allele origin: germline. Not counted in ClinVar's aggregate classification.
Comment: This variant is classified as likely benign based on ACMG/AMP sequence variant interpretation guidelines (Richards et al. 2015 PMID: 25741868, with internal and published modifications).